The following is an entry in ClinVar:

NM_000092.5(COL4A4):c.1923_1924dup (p.Gly642fs)

Gene: COL4A4 (collagen type IV alpha 4 chain; minus strand). Cytogenetic location: 2q36.3.
Variant type: Duplication.
Coding change: c.1923_1924dup on transcript NM_000092.5 (MANE Select); coding-DNA positions 1923 to 1924, 2 bases duplicated (AG; older notation c.1923_1924dupAG).
Protein change: p.Gly642fs; shifts the reading frame from glycine 642.
Molecular consequence: frameshift variant.
Genome position (GRCh38, 1-based): chr2:227,077,957-227,077,958, CT duplicated on the plus strand (AG on the coding strand, the reverse complement: COL4A4 is on the minus strand); duplicating any 2 consecutive bases within chr2:227,077,957-227,077,959 gives the same sequence; the c. name uses the placement nearest the transcript's 3' end. VCF-style (leftmost placement, unchanged base first): chr2-227077956-C-CCT. GRCh37 (hg19) VCF-style: chr2-227942672-C-CCT.
Other names: short protein forms G642fs.
Identifiers: ClinVar variation 4729117 (VCV004729117.1), dbSNP rs2059122469.
Genomic context (GRCh38, chr2:227,077,956, plus strand): 5'-TTCTGACCCTTCAAGCCATCAGGGCCCCTCACACCTGGGTGGCCTGGAACTCCTGGGTGG[C>CCT]CTCGCTCTCCTGGTGGACCAGGAAATCCCAGTCCTGGGGGCCCCACAGGTCCTGCTTTGC-3'

ClinVar aggregate classification (germline): Pathogenic (1 of 4 stars; one submission).

Submission:

Labcorp Genetics (formerly Invitae), Labcorp
Classification: Pathogenic. Last evaluated: 2025-10-13. Review status: criteria provided, single submitter. Criteria: Invitae Variant Classification Sherloc (09022015). Collection method: clinical testing. Allele origin: germline.
Comment: This sequence change creates a premature translational stop signal (p.Gly642Glufs*12) in the COL4A4 gene. It is expected to result in an absent or disrupted protein product. Loss-of-function variants in COL4A4 are known to be pathogenic (PMID: 21196518, 24854265, 25307543). This variant is not present in population databases (gnomAD no frequency). This variant has not been reported in the literature in individuals affected with COL4A4-related conditions. For these reasons, this variant has been classified as Pathogenic.

Literature cited by the submitters: PubMed 21196518; PubMed 24854265; PubMed 25307543.